The following is an entry in ClinVar:

NM_020693.4(DSCAML1):c.4531A>T (p.Thr1511Ser)

Gene: DSCAML1 (DS cell adhesion molecule like 1; minus strand). Cytogenetic location: 11q23.3.
Variant type: single nucleotide variant.
Coding change: c.4531A>T on transcript NM_020693.4 (MANE Select); coding-DNA position 4531, A replaced by T.
Protein change: p.Thr1511Ser; replaces threonine 1511 with serine.
Molecular consequence: missense variant.
Genome position (GRCh38, 1-based): chr11:117,437,311, T>A on the plus strand (A>T on the coding strand, the complement: DSCAML1 is on the minus strand). VCF-style: chr11-117437311-T-A. GRCh37 (hg19) VCF-style: chr11-117308027-T-A.
Other names: short protein forms T1511S.
Identifiers: ClinVar variation 2191601 (VCV002191601.4), dbSNP rs767977526, ClinGen allele CA6296345.

ClinVar aggregate classification (germline): Uncertain significance (1 of 4 stars; one submission).

Allele frequency attached by ClinVar (database versions not stated): ExAC 0.00001; gnomAD exomes 0.00001.
gnomAD v4.1: 9 of 1,614,066 alleles (0.00056%); highest among the groups gnomAD compares: Non-Finnish European, 0.00042%; no homozygotes.

Submission:

Labcorp Genetics (formerly Invitae), Labcorp
Classification: Uncertain significance. Last evaluated: 2022-10-03. Review status: criteria provided, single submitter. Criteria: Invitae Variant Classification Sherloc (09022015). Collection method: clinical testing. Allele origin: germline.
Comment: In summary, the available evidence is currently insufficient to determine the role of this variant in disease. Therefore, it has been classified as a Variant of Uncertain Significance. Algorithms developed to predict the effect of missense changes on protein structure and function (SIFT, PolyPhen-2, Align-GVGD) all suggest that this variant is likely to be tolerated. This variant has not been reported in the literature in individuals affected with DSCAML1-related conditions. This variant is present in population databases (rs767977526, gnomAD 0.004%). This sequence change replaces threonine, which is neutral and polar, with serine, which is neutral and polar, at codon 1571 of the DSCAML1 protein (p.Thr1571Ser).